The following is an entry in ClinVar:

ClinVar aggregate classification (germline): Likely benign. Review status: criteria provided, multiple submitters, no conflicts (2 of 4 stars). 2 submissions from 2 submitters: Likely benign (2). Last evaluated 2022-09-12.

Allele frequency attached by ClinVar (database versions not stated): gnomAD exomes below 0.00001; TOPMed 0.00003; gnomAD 0.00004.
gnomAD v4.1: 9 of 1,541,336 alleles (0.00058%); highest among the groups gnomAD compares: African/African-American, 0.011%; no homozygotes.

Submissions (2):

Blueprint Genetics
Classification: Likely benign. Last evaluated: 2022-09-12. Review status: criteria provided, single submitter. Criteria: ACMG Guidelines, 2015. Collection method: clinical testing. Allele origin: germline.

CeGaT Center for Human Genetics Tuebingen
Classification: Likely benign. Last evaluated: 2022-04-01. Review status: criteria provided, single submitter. Criteria: CeGaT Center For Human Genetics Tuebingen Variant Classification Criteria Version 2. Collection method: clinical testing. Allele origin: germline. Affected: yes. Observed: 1 variant allele.
Comment: PLK4: BP4, BP7

NM_014264.5(PLK4):c.303A>G (p.Leu101=)

Gene: PLK4 (polo like kinase 4; plus strand). Cytogenetic location: 4q28.1.
Variant type: single nucleotide variant.
Coding change: c.303A>G on transcript NM_014264.5 (MANE Select); coding-DNA position 303, A replaced by G.
Protein change: p.Leu101=; no amino-acid change (leucine 101 retained).
Molecular consequence: synonymous variant.
Genome position (GRCh38, 1-based): chr4:127,883,519, A>G. VCF-style: chr4-127883519-A-G. GRCh37 (hg19) VCF-style: chr4-128804674-A-G.
Other names: c.207A>G, p.Leu69= (NM_001190799.2); c.180A>G, p.Leu60= (NM_001190801.2).
Identifiers: ClinVar variation 2655092 (VCV002655092.25), dbSNP rs893628118, ClinGen allele CA105687460.
Genomic context (GRCh38, chr4:127,883,519, plus strand): 5'-TAGCAATTATGTGTATCTGGTATTAGAAATGTGCCATAATGGAGAAATGAACAGGTATCT[A>G]AAGAATAGAGTGAAACCCTTCTCAGAAAATGAAGGTAGGTGTGTGGTTTTTTTTGTTTGT-3'
Protein context (NP_055079.3, residues 91-111): MCHNGEMNRY[Leu101=]KNRVKPFSEN